The following is an entry in ClinVar:

NM_000137.4(FAH):c.535_536del (p.Gln179fs)

Gene: FAH (fumarylacetoacetate hydrolase; plus strand). Cytogenetic location: 15q25.1.
Variant type: Deletion.
Coding change: c.535_536del on transcript NM_000137.4 (MANE Select); coding-DNA positions 535 to 536, 2 bases deleted (CA; older notation c.535_536delCA).
Protein change: p.Gln179fs; shifts the reading frame from glutamine 179.
Molecular consequence: frameshift variant.
Genome position (GRCh38, 1-based): chr15:80,168,131-80,168,132, CA deleted; deleting any 2 consecutive bases within chr15:80,168,130-80,168,132 gives the same sequence; the c. name uses the placement nearest the transcript's 3' end. VCF-style (leftmost placement, unchanged base first): chr15-80168129-GAC-G. GRCh37 (hg19) VCF-style: chr15-80460471-GAC-G.
Other names: c.535_536del, p.Gln179fs (NM_001374377.1, NM_001374380.1); short protein forms Q179fs.
Identifiers: ClinVar variation 957168 (VCV000957168.3), dbSNP rs2041210282, ClinGen allele CA1139664106.

ClinVar aggregate classification (germline): Pathogenic (1 of 4 stars; one submission).

Conditions:
Tyrosinemia type I (TYRSN1). Also called: HEPATORENAL TYROSINEMIA; Tyrosinemia type 1; Fumarylacetoacetase deficiency; Deficiency of fumarylacetoacetase; FAH DEFICIENCY. Identifiers: Orphanet 882, MedGen C0268490, MONDO:0010161, OMIM 276700. Disease mechanism: loss of function.

Submission:

Labcorp Genetics (formerly Invitae), Labcorp
Classification: Pathogenic for Tyrosinemia type I. Last evaluated: 2019-11-03. Review status: criteria provided, single submitter. Criteria: Invitae Variant Classification Sherloc (09022015). Collection method: clinical testing. Allele origin: germline.
Comment: This sequence change creates a premature translational stop signal (p.Gln179Aspfs*4) in the FAH gene. It is expected to result in an absent or disrupted protein product. This variant is not present in population databases (ExAC no frequency). This variant has not been reported in the literature in individuals with FAH-related conditions. Loss-of-function variants in FAH are known to be pathogenic (PMID: 9101289, 9633815). For these reasons, this variant has been classified as Pathogenic.

Literature cited by the submitters: PubMed 9101289; PubMed 9633815.